The following is an entry in ClinVar:

ClinVar aggregate classification (germline): Uncertain significance. Review status: criteria provided, multiple submitters, no conflicts (2 of 4 stars). 3 submissions from 3 submitters: Uncertain significance (3). Last evaluated 2025-07-14.

Conditions:
Hereditary cancer-predisposing syndrome. Also called: Hereditary neoplastic syndrome; Neoplastic Syndromes, Hereditary; Tumor predisposition; Hereditary Cancer Syndrome. Identifiers: Orphanet 140162, MedGen C0027672, MeSH D009386, MONDO:0015356.
Intellectual disability, autosomal dominant 16 (CSS4). Also called: COFFIN-SIRIS SYNDROME 4. Identifiers: Orphanet 1465, MedGen C3553249, MONDO:0013821, OMIM 614609.
Rhabdoid tumor predisposition syndrome 2 (RTPS2). Identifiers: Orphanet 231108, Orphanet 69077, MedGen C2750074, MONDO:0013224, OMIM 613325.

Submissions (3):

Labcorp Genetics (formerly Invitae), Labcorp
Classification: Uncertain significance for Rhabdoid tumor predisposition syndrome 2. Last evaluated: 2025-07-14. Review status: criteria provided, single submitter. Criteria: Invitae Variant Classification Sherloc (09022015). Collection method: clinical testing. Allele origin: germline.
Comment: This sequence change replaces histidine, which is basic and polar, with glutamine, which is neutral and polar, at codon 178 of the SMARCA4 protein (p.His178Gln). This variant is not present in population databases (gnomAD no frequency). This variant has not been reported in the literature in individuals affected with SMARCA4-related conditions. ClinVar contains an entry for this variant (Variation ID: 470437). Invitae Evidence Modeling of protein sequence and biophysical properties (such as structural, functional, and spatial information, amino acid conservation, physicochemical variation, residue mobility, and thermodynamic stability) indicates that this missense variant is not expected to disrupt SMARCA4 protein function with a negative predictive value of 95%. In summary, the available evidence is currently insufficient to determine the role of this variant in disease. Therefore, it has been classified as a Variant of Uncertain Significance.

Ambry Genetics
Classification: Uncertain significance for Hereditary cancer-predisposing syndrome. Last evaluated: 2023-09-05. Review status: criteria provided, single submitter. Criteria: Ambry Variant Classification Scheme 2023. Collection method: clinical testing. Allele origin: germline.
Comment: The p.H178Q variant (also known as c.534C>G), located in coding exon 3 of the SMARCA4 gene, results from a C to G substitution at nucleotide position 534. The histidine at codon 178 is replaced by glutamine, an amino acid with highly similar properties. This amino acid position is highly conserved in available vertebrate species. In addition, the in silico prediction for this alteration is inconclusive. Missense and in-frame variants in SMARCA4 are known to cause neurodevelopmental disorders; however, such associations with rhabdoid tumor predisposition syndrome including small cell carcinoma of the ovary-hypercalcemic type (SCCOHT) are exceedingly rare (Kosho T et al. Am J Med Genet C Semin Med Genet. 2014 Sep;166C(3):262-75; Jelinic P et al. Nat Genet. 2014 May;46(5):424-6). Based on the supporting evidence, the association of this alteration with Coffin-Siris syndrome is unknown; however, the association of this alteration with rhabdoid tumor predisposition syndrome is unlikely.

Genome-Nilou Lab
Classification: Uncertain significance for Intellectual disability, autosomal dominant 16. Last evaluated: 2021-07-15. Review status: criteria provided, single submitter. Criteria: ACMG Guidelines, 2015. Collection method: clinical testing. Allele origin: germline. Affected: no.

NM_003072.5(SMARCA4):c.534C>G (p.His178Gln)

Gene: SMARCA4 (SWI/SNF related BAF chromatin remodeling complex subunit ATPase 4; plus strand). Cytogenetic location: 19p13.2.
Variant type: single nucleotide variant.
Coding change: c.534C>G on transcript NM_003072.5 (MANE Select); coding-DNA position 534, C replaced by G.
Protein change: p.His178Gln; replaces histidine 178 with glutamine.
Molecular consequence: missense variant. On other transcripts: non-coding transcript variant (1).
Genome position (GRCh38, 1-based): chr19:10,986,367, C>G. VCF-style: chr19-10986367-C-G. GRCh37 (hg19) VCF-style: chr19-11097043-C-G.
Other names: c.534C>G, p.His178Gln (NM_001128844.3, NM_001128845.2, NM_001128846.2 and 5 more transcripts); short protein forms H178Q.
Identifiers: ClinVar variation 470437 (VCV000470437.15), dbSNP rs759429379, ClinGen allele CA404056286.